The following is an entry in ClinVar:

ClinVar aggregate classification (germline): Uncertain significance (1 of 4 stars; one submission).

Submission:

GeneDx
Classification: Uncertain significance. Last evaluated: 2025-01-28. Review status: criteria provided, single submitter. Criteria: GeneDx Variant Classification Process June 2021. Collection method: clinical testing. Allele origin: germline. Affected: yes.
Comment: Not observed at significant frequency in large population cohorts (gnomAD); In silico analysis indicates that this missense variant does not alter protein structure/function; Has not been previously published as pathogenic or benign to our knowledge

NM_001357.5(DHX9):c.3733G>A (p.Gly1245Arg)

Gene: DHX9 (DExH-box helicase 9; plus strand). Cytogenetic location: 1q25.3.
Variant type: single nucleotide variant.
Coding change: c.3733G>A on transcript NM_001357.5 (MANE Select); coding-DNA position 3733, G replaced by A.
Protein change: p.Gly1245Arg; replaces glycine 1245 with arginine.
Molecular consequence: missense variant. On other transcripts: non-coding transcript variant (1).
Genome position (GRCh38, 1-based): chr1:182,887,354, G>A. VCF-style: chr1-182887354-G-A. GRCh37 (hg19) VCF-style: chr1-182856489-G-A.
Other names: short protein forms G1245R.
Identifiers: ClinVar variation 4071930 (VCV004071930.1).
Genomic context (GRCh38, chr1:182,887,354, plus strand): 5'-GGCTTTAGAGGCAACTCTGGAGGAGACTACAGAGGGCCTAGTGGAGGCTACAGAGGATCT[G>A]GGGGATTCCAGCGAGGAGGTGGTAGGGGGGCCTATGGAACTGGCTACTTTGGACAGGGAA-3'
Protein context (NP_001348.2, residues 1235-1255): RGPSGGYRGS[Gly1245Arg]GFQRGGGRGA